The following is an entry in ClinVar:

ClinVar aggregate classification (germline): Conflicting classifications of pathogenicity. Review status: criteria provided, conflicting classifications (1 of 4 stars). 7 submissions from 7 submitters: Uncertain significance (5); Likely benign (2). Last evaluated 2026-01-26.

Conditions:
Endometrial carcinoma. Also called: Endometrial carcinoma, somatic. Identifiers: MedGen C0476089, MONDO:0002447, OMIM 608089, HP:0012114.
Lynch syndrome 5 (LYNCH5). Also called: Hereditary non-polyposis colorectal cancer, type 5; Colorectal cancer, hereditary nonpolyposis, type 5. Identifiers: Orphanet 144, MedGen C1833477, MONDO:0013710, OMIM 614350. Disease mechanism: loss of function.
Mismatch repair cancer syndrome 3. Identifiers: MedGen C5436807, MONDO:0030841, OMIM 619097.
Hereditary nonpolyposis colorectal neoplasms. Identifiers: MedGen C0009405, MeSH D003123.
Hereditary cancer-predisposing syndrome. Also called: Hereditary Cancer Syndrome; Hereditary neoplastic syndrome; Neoplastic Syndromes, Hereditary; Tumor predisposition. Identifiers: Orphanet 140162, MedGen C0027672, MeSH D009386, MONDO:0015356.
Lynch syndrome. Identifiers: Orphanet 144, MedGen C4552100, MONDO:0005835. Disease mechanism: loss of function.

Allele frequency attached by ClinVar (database versions not stated): gnomAD exomes 0.00001; TOPMed 0.00002.
gnomAD v4.1: 16 of 1,614,090 alleles (0.00099%); highest among the groups gnomAD compares: East Asian, 0.0022%; no homozygotes.

Submissions (7):

Labcorp Genetics (formerly Invitae), Labcorp
Classification: Likely benign for Hereditary nonpolyposis colorectal neoplasms. Last evaluated: 2026-01-26. Review status: criteria provided, single submitter. Criteria: Invitae Variant Classification Sherloc (09022015). Collection method: clinical testing. Allele origin: germline.

Color Diagnostics, LLC DBA Color Health
Classification: Uncertain significance for Hereditary cancer-predisposing syndrome. Last evaluated: 2025-11-25. Review status: criteria provided, single submitter. Criteria: ACMG Guidelines, 2015. Collection method: clinical testing. Allele origin: germline.
Comment: This missense variant replaces histidine with tyrosine at codon 1266 of the MSH6 protein. Computational prediction suggests that this variant may have deleterious impact on protein structure and function. To our knowledge, functional studies have not been reported for this variant. This variant has not been reported in individuals affected with MSH6-related disorders in the literature. This variant has been identified in 16/1614090 chromosomes in the general population by the Genome Aggregation Database (gnomAD). The available evidence is insufficient to determine the role of this variant in disease conclusively. Therefore, this variant is classified as a Variant of Uncertain Significance.

Myriad Genetics, Inc.
Classification: Likely benign for Lynch syndrome 5. Last evaluated: 2025-09-22. Review status: criteria provided, single submitter. Criteria: Myriad Autosomal Dominant, Autosomal Recessive and X-Linked Classification Criteria (2023). Collection method: clinical testing. Allele origin: unknown.
Comment: This variant is considered likely benign. This variant is strongly associated with less severe personal and family histories of cancer, typical for individuals without pathogenic variants in this gene [PMID: 27363726].

Ambry Genetics
Classification: Uncertain significance for Hereditary cancer-predisposing syndrome. Last evaluated: 2024-08-26. Review status: criteria provided, single submitter. Criteria: Ambry Variant Classification Scheme 2023. Collection method: clinical testing. Allele origin: germline.
Comment: The p.H1266Y variant (also known as c.3796C>T), located in coding exon 8 of the MSH6 gene, results from a C to T substitution at nucleotide position 3796. The histidine at codon 1266 is replaced by tyrosine, an amino acid with similar properties. This amino acid position is highly conserved in available vertebrate species. In addition, this alteration is predicted to be deleterious by in silico analysis. Since supporting evidence is limited at this time, the clinical significance of this alteration remains unclear.

Fulgent Genetics
Classification: Uncertain significance for Endometrial carcinoma; Lynch syndrome 5; Mismatch repair cancer syndrome 3. Last evaluated: 2024-04-02. Review status: criteria provided, single submitter. Criteria: ACMG Guidelines, 2015. Collection method: clinical testing. Allele origin: germline.

All of Us Research Program, National Institutes of Health
Classification: Uncertain significance for Lynch syndrome. Last evaluated: 2023-06-28. Review status: criteria provided, single submitter. Criteria: ACMG Guidelines, 2015. Collection method: clinical testing. Allele origin: germline. Inheritance: Autosomal dominant inheritance. Observed: 2 variant alleles, 2 heterozygotes.
Comment: This missense variant replaces histidine with tyrosine at codon 1266 of the MSH6 protein. Computational prediction suggests that this variant may have deleterious impact on protein structure and function (internally defined REVEL score threshold >= 0.7, PMID: 27666373). To our knowledge, functional studies have not been reported for this variant. This variant has not been reported in individuals affected with MSH6-related disorders in the literature. This variant has been identified in 2/251216 chromosomes in the general population by the Genome Aggregation Database (gnomAD). The available evidence is insufficient to determine the role of this variant in disease conclusively. Therefore, this variant is classified as a Variant of Uncertain Significance.

This study involves interpretation of variants in research participants for the purpose of population health screening. Participant phenotype was not available at the time of variant classification. Additional details can be found in publication PMID: 35346344, PMCID: PMC8962531

Sema4
Classification: Uncertain significance for Hereditary cancer-predisposing syndrome. Last evaluated: 2021-11-26. Review status: criteria provided, single submitter. Criteria: Sema4 Curation Guidelines. Collection method: curation. Allele origin: germline.
Comment: The MSH6 c.3796C>T (p.H1266Y) variant has not been reported in the literature to our knowledge. It was observed in 2/251216 chromosomes in the large and broad cohorts of the Genome Aggregation Database (PMID: 32461654). The variant has been reported in ClinVar (Variation ID: 455286). In silico tools suggest the impact of the variant on protein function is deleterious, though these predictions have not been confirmed by functional studies. The evidence is insufficient to meet ACMG/AMP criteria for classifying the variant as benign or pathogenic. Thus, the clinical significance of this variant is currently uncertain.

Literature cited by the submitters: PubMed 27363726 (cited by Myriad Genetics, Inc.).

NM_000179.3(MSH6):c.3796C>T (p.His1266Tyr)

Gene: MSH6 (mutS homolog 6; plus strand). Cytogenetic location: 2p16.3.
Variant type: single nucleotide variant.
Coding change: c.3796C>T on transcript NM_000179.3 (MANE Select); coding-DNA position 3796, C replaced by T.
Protein change: p.His1266Tyr; replaces histidine 1266 with tyrosine.
Molecular consequence: missense variant.
Genome position (GRCh38, 1-based): chr2:47,806,353, C>T. VCF-style: chr2-47806353-C-T. GRCh37 (hg19) VCF-style: chr2-48033492-C-T.
Other names: c.3406C>T, p.His1136Tyr (NM_001281492.2); c.2890C>T, p.His964Tyr (NM_001281493.2, NM_001281494.2); short protein forms H1266Y, H1136Y, H964Y.
Identifiers: ClinVar variation 455286 (VCV000455286.21), dbSNP rs972387746, ClinGen allele CA46719551.
Genomic context (GRCh38, chr2:47,806,353, plus strand): 5'-TCAACTCACTACCATTCATTAGTAGAAGATTATTCTCAAAATGTTGCTGTGCGCCTAGGA[C>T]ATATGGTATGTGCAAATTGTTTTTTTCCACAAATTCGGTTTTTTGAGAGGGCACTTCTCT-3'
Protein context (NP_000170.1, residues 1256-1276): YSQNVAVRLG[His1266Tyr]MACMVENECE